The following is an entry in ClinVar:

NM_001174136.2(CRIPTO):c.-13-1347T>A

Gene: CRIPTO (cripto, EGF-CFC family member; plus strand). Cytogenetic location: 3p21.31.
Variant type: single nucleotide variant.
Coding change: c.-13-1347T>A on transcript NM_001174136.2; 1347 bases into the intron before 13 bases upstream of the start codon, T replaced by A.
Molecular consequence: intron variant.
Genome position (GRCh38, 1-based): chr3:46,577,748, T>A. VCF-style: chr3-46577748-T-A. GRCh37 (hg19) VCF-style: chr3-46619238-T-A.
Identifiers: ClinVar variation 1253902 (VCV001253902.4), dbSNP rs80045772, ClinGen allele CA11472505.

ClinVar aggregate classification (germline): Benign (1 of 4 stars; one submission).

Allele frequency attached by ClinVar (database versions not stated): gnomAD 0.19103 and 0.19512; gnomAD exomes 0.24126; 1000 Genomes Project 30x 0.17099; 1000 Genomes Project 0.17352; TOPMed 0.17390.
gnomAD v4.1: 134,056 of 586,454 alleles (23%); highest among the groups gnomAD compares: South Asian, 29%; 16,877 homozygotes.

Submission:

GeneDx
Classification: Benign. Last evaluated: 2019-01-19. Review status: criteria provided, single submitter. Criteria: GeneDx Variant Classification Process June 2021. Collection method: clinical testing. Allele origin: germline. Affected: yes.
Comment: This variant is associated with the following publications: (PMID: 25629528)